The following is an entry in ClinVar:

NM_001369.3(DNAH5):c.1342A>T (p.Lys448Ter)

Gene: DNAH5 (dynein axonemal heavy chain 5; minus strand). Cytogenetic location: 5p15.2.
Variant type: single nucleotide variant.
Coding change: c.1342A>T on transcript NM_001369.3 (MANE Select); coding-DNA position 1342, A replaced by T.
Protein change: p.Lys448Ter; replaces lysine 448 with a stop codon.
Molecular consequence: nonsense.
Genome position (GRCh38, 1-based): chr5:13,913,937, T>A on the plus strand (A>T on the coding strand, the complement: DNAH5 is on the minus strand). VCF-style: chr5-13913937-T-A. GRCh37 (hg19) VCF-style: chr5-13914046-T-A.
Other names: short protein forms K448*.
Identifiers: ClinVar variation 1453560 (VCV001453560.6), dbSNP rs1227276816, ClinGen allele CA359214550.
Genomic context (GRCh38, chr5:13,913,937, plus strand): 5'-ACATCTCGCTAAAATCAAATTGTTTTGCATTTGGATTTTGTTTAAGCTTTTGTTTTGTCT[T>A]GTGAAAGCAGAGCTGGTATTCCTTAAAATCAAAAGAAAAATATACAACAAAGGGAACAAG-3'

ClinVar aggregate classification (germline): Pathogenic (1 of 4 stars; one submission).

Conditions:
Primary ciliary dyskinesia. Also called: Ciliary dyskinesia. Identifiers: Orphanet 244, MedGen C0008780, MONDO:0016575, HP:0012265.

Submission:

Labcorp Genetics (formerly Invitae), Labcorp
Classification: Pathogenic for Primary ciliary dyskinesia. Last evaluated: 2021-04-17. Review status: criteria provided, single submitter. Criteria: Invitae Variant Classification Sherloc (09022015). Collection method: clinical testing. Allele origin: germline.
Comment: This sequence change creates a premature translational stop signal (p.Lys448*) in the DNAH5 gene. It is expected to result in an absent or disrupted protein product. Loss-of-function variants in DNAH5 are known to be pathogenic (PMID: 11788826, 16627867). This variant is not present in population databases (ExAC no frequency). This variant has not been reported in the literature in individuals with DNAH5-related conditions. For these reasons, this variant has been classified as Pathogenic.

Literature cited by the submitters: PubMed 11788826; PubMed 16627867.